The following is an entry in ClinVar:

NM_144596.4(TTC8):c.62A>G (p.Gln21Arg)

Gene: TTC8 (tetratricopeptide repeat domain 8; plus strand). Cytogenetic location: 14q31.3.
Variant type: single nucleotide variant.
Coding change: c.62A>G on transcript NM_144596.4 (MANE Select); coding-DNA position 62, A replaced by G.
Protein change: p.Gln21Arg; replaces glutamine 21 with arginine.
Molecular consequence: missense variant. On other transcripts: 5 prime UTR variant (2), non-coding transcript variant (1).
Genome position (GRCh38, 1-based): chr14:88,824,769, A>G. VCF-style: chr14-88824769-A-G. GRCh37 (hg19) VCF-style: chr14-89291113-A-G.
Other names: c.62A>G, p.Gln21Arg (NM_001288781.1, NM_001366535.2, NM_001366536.2 and 2 more transcripts); c.-501A>G (NM_001288782.1); c.-596A>G (NM_001288783.1); short protein forms Q21R.
Identifiers: ClinVar variation 1447657 (VCV001447657.8), dbSNP rs2094690662, ClinGen allele CA390567749.

ClinVar aggregate classification (germline): Uncertain significance (1 of 4 stars; one submission).

Conditions:
Bardet-Biedl syndrome (BBS). Identifiers: Orphanet 110, MedGen C0752166, MONDO:0015229.

Submission:

Labcorp Genetics (formerly Invitae), Labcorp
Classification: Uncertain significance for Bardet-Biedl syndrome. Last evaluated: 2021-05-10. Review status: criteria provided, single submitter. Criteria: Invitae Variant Classification Sherloc (09022015). Collection method: clinical testing. Allele origin: germline.
Comment: This variant has not been reported in the literature in individuals with TTC8-related conditions. This variant is not present in population databases (ExAC no frequency). This sequence change replaces glutamine with arginine at codon 21 of the TTC8 protein (p.Gln21Arg). The glutamine residue is moderately conserved and there is a small physicochemical difference between glutamine and arginine. In summary, the available evidence is currently insufficient to determine the role of this variant in disease. Therefore, it has been classified as a Variant of Uncertain Significance. Algorithms developed to predict the effect of missense changes on protein structure and function (SIFT, PolyPhen-2, Align-GVGD) all suggest that this variant is likely to be tolerated, but these predictions have not been confirmed by published functional studies and their clinical significance is uncertain.